The following is an entry in ClinVar:

ClinVar aggregate classification (germline): Uncertain significance (1 of 4 stars; one submission).

Conditions:
Dilated cardiomyopathy 1G (CMD1G). Identifiers: Orphanet 154, MedGen C1858763, MONDO:0011400, OMIM 604145.
Autosomal recessive limb-girdle muscular dystrophy type 2J (LGMDR10). Also called: Limb-girdle muscular dystrophy, type 2J; MUSCULAR DYSTROPHY, LIMB-GIRDLE, AUTOSOMAL RECESSIVE 10. Identifiers: Orphanet 140922, MedGen C1837342, MONDO:0012127, OMIM 608807.

Submission:

Labcorp Genetics (formerly Invitae), Labcorp
Classification: Uncertain significance for Dilated cardiomyopathy 1G; Autosomal recessive limb-girdle muscular dystrophy type 2J. Last evaluated: 2024-08-01. Review status: criteria provided, single submitter. Criteria: Invitae Variant Classification Sherloc (09022015). Collection method: clinical testing. Allele origin: germline.
Comment: This sequence change falls in intron 253 of the TTN gene. It does not directly change the encoded amino acid sequence of the TTN protein. It affects a nucleotide within the consensus splice site. This variant is not present in population databases (gnomAD no frequency). This variant has not been reported in the literature in individuals affected with TTN-related conditions. Variants that disrupt the consensus splice site are a relatively common cause of aberrant splicing (PMID: 17576681, 9536098). Algorithms developed to predict the effect of sequence changes on RNA splicing suggest that this variant may disrupt the consensus splice site. This variant is located in the A band of TTN (PMID: 25589632). Variants in this region may be relevant for cardiac or neuromuscular disorders (PMID: 25589632, 23975875). In summary, the available evidence is currently insufficient to determine the role of this variant in disease. Therefore, it has been classified as a Variant of Uncertain Significance.

Literature cited by the submitters: PubMed 17576681; PubMed 9536098; PubMed 25589632; PubMed 23975875.

NM_001267550.2(TTN):c.47572+3A>T

Genes: TTN (titin; minus strand), TTN-AS1 (TTN antisense RNA 1; plus strand). Cytogenetic location: 2q31.2.
Variant type: single nucleotide variant.
Coding change: c.47572+3A>T on transcript NM_001267550.2 (MANE Select); 3 bases into the intron after coding-DNA position 47572, A replaced by T.
Molecular consequence: intron variant.
Genome position (GRCh38, 1-based): chr2:178,617,776, T>A on the plus strand (A>T on the coding strand, the complement: TTN is on the minus strand). VCF-style: chr2-178617776-T-A. GRCh37 (hg19) VCF-style: chr2-179482503-T-A.
Other names: c.20377+3A>T (NM_003319.4); c.20953+3A>T (NM_133437.4); c.20752+3A>T (NM_133432.3); c.39868+3A>T (NM_133378.4); c.42649+3A>T (NM_001256850.1).
Identifiers: ClinVar variation 3757504 (VCV003757504.2).